The following is an entry in ClinVar:

NM_001429.4(EP300):c.2405C>G (p.Pro802Arg)

Gene: EP300 (E1A binding protein p300; plus strand). Cytogenetic location: 22q13.2.
Variant type: single nucleotide variant.
Coding change: c.2405C>G on transcript NM_001429.4 (MANE Select); coding-DNA position 2405, C replaced by G.
Protein change: p.Pro802Arg; replaces proline 802 with arginine.
Molecular consequence: missense variant.
Genome position (GRCh38, 1-based): chr22:41,149,786, C>G. VCF-style: chr22-41149786-C-G. GRCh37 (hg19) VCF-style: chr22-41545790-C-G.
Other names: c.2327C>G, p.Pro776Arg (NM_001362843.2); short protein forms P776R, P802R.
Identifiers: ClinVar variation 2636192 (VCV002636192.2), dbSNP rs749702423, ClinGen allele CA411691158.

ClinVar aggregate classification (germline): Uncertain significance (0 of 4 stars; one submission).

Conditions:
EP300-related disorder. Also called: EP300-related disorders; EP300-related condition.

Submission:

PreventionGenetics, part of Exact Sciences
Classification: Uncertain significance for EP300-related condition. Last evaluated: 2024-07-08. Review status: no assertion criteria provided. Collection method: clinical testing. Allele origin: germline.
Comment: The EP300 c.2405C>G variant is predicted to result in the amino acid substitution p.Pro802Arg. To our knowledge, this variant has not been reported in the literature or in a large population databae, indicating this variant is rare. At this time, the clinical significance of this variant is uncertain due to the absence of conclusive functional and genetic evidence.